The following is an entry in ClinVar:

ClinVar aggregate classification (germline): Uncertain significance (1 of 4 stars; one submission).

Conditions:
Centromeric instability of chromosomes 1,9 and 16 and immunodeficiency (ICF1). Also called: IMMUNE DEFICIENCY, VARIABLE, WITH CENTROMERIC INSTABILITY OF CHROMOSOMES 1, 9, AND 16; IMMUNODEFICIENCY SYNDROME, VARIABLE; Immunodeficiency-centromeric instability-facial anomalies; CENTROMERIC INSTABILITY, IMMUNODEFICIENCY SYNDROME. Identifiers: Orphanet 2268, MedGen C0398788, MONDO:0000133.

Allele frequency attached by ClinVar (database versions not stated): gnomAD 0.00001 and 0.00002; gnomAD exomes 0.00001; ExAC 0.00002; TOPMed 0.00002; 1000 Genomes Project 30x 0.00016; 1000 Genomes Project 0.00020.

Submission:

Labcorp Genetics (formerly Invitae), Labcorp
Classification: Uncertain significance for Centromeric instability of chromosomes 1,9 and 16 and immunodeficiency. Last evaluated: 2024-10-16. Review status: criteria provided, single submitter. Criteria: Invitae Variant Classification Sherloc (09022015). Collection method: clinical testing. Allele origin: germline.
Comment: This sequence change replaces serine, which is neutral and polar, with asparagine, which is neutral and polar, at codon 163 of the DNMT3B protein (p.Ser163Asn). This variant is present in population databases (rs577793089, gnomAD 0.006%). This variant has not been reported in the literature in individuals affected with DNMT3B-related conditions. ClinVar contains an entry for this variant (Variation ID: 1024413). Invitae Evidence Modeling of protein sequence and biophysical properties (such as structural, functional, and spatial information, amino acid conservation, physicochemical variation, residue mobility, and thermodynamic stability) indicates that this missense variant is not expected to disrupt DNMT3B protein function with a negative predictive value of 95%. In summary, the available evidence is currently insufficient to determine the role of this variant in disease. Therefore, it has been classified as a Variant of Uncertain Significance.

NM_006892.4(DNMT3B):c.488G>A (p.Ser163Asn)

Gene: DNMT3B (DNA methyltransferase 3 beta; plus strand). Cytogenetic location: 20q11.21.
Variant type: single nucleotide variant.
Coding change: c.488G>A on transcript NM_006892.4 (MANE Select); coding-DNA position 488, G replaced by A.
Protein change: p.Ser163Asn; replaces serine 163 with asparagine.
Molecular consequence: missense variant.
Genome position (GRCh38, 1-based): chr20:32,787,285, G>A. VCF-style: chr20-32787285-G-A. GRCh37 (hg19) VCF-style: chr20-31375091-G-A.
Other names: c.362G>A, p.Ser121Asn (NM_001207055.2); c.260G>A, p.Ser87Asn (NM_001207056.2); c.488G>A, p.Ser163Asn (NM_175848.2, NM_175849.2); c.524G>A, p.Ser175Asn (NM_175850.3); short protein forms S121N, S163N, S175N, S87N.
Identifiers: ClinVar variation 1024413 (VCV001024413.8), dbSNP rs577793089, ClinGen allele CA9810232.